The following is an entry in ClinVar:

NM_015057.5(MYCBP2):c.13669C>T (p.Arg4557Cys)

Gene: MYCBP2 (MYC binding protein 2; minus strand). Cytogenetic location: 13q22.3.
Variant type: single nucleotide variant.
Coding change: c.13669C>T on transcript NM_015057.5 (MANE Select); coding-DNA position 13669, C replaced by T.
Protein change: p.Arg4557Cys; replaces arginine 4557 with cysteine.
Molecular consequence: missense variant.
Genome position (GRCh38, 1-based): chr13:77,051,897, G>A on the plus strand (C>T on the coding strand, the complement: MYCBP2 is on the minus strand). VCF-style: chr13-77051897-G-A. GRCh37 (hg19) VCF-style: chr13-77626032-G-A.
Other names: short protein forms R4557C.
Identifiers: ClinVar variation 3340699 (VCV003340699.1).

ClinVar aggregate classification (germline): Pathogenic (1 of 4 stars; one submission).

gnomAD v4.1: 1 of 1,614,038 alleles (0.000062%); no homozygotes.

Submission:

GeneDx
Classification: Pathogenic. Last evaluated: 2023-02-02. Review status: criteria provided, single submitter. Criteria: GeneDx Variant Classification Process June 2021. Collection method: clinical testing. Allele origin: germline. Affected: yes.
Comment: Published functional studies demonstrate a damaging effect in C elegans as mutant protein showed impaired axon development (AlAbdi et al., 2022); Not observed at significant frequency in large population cohorts (gnomAD); In silico analysis supports that this missense variant has a deleterious effect on protein structure/function; This variant is associated with the following publications: (PMID: 36200388)